The following is an entry in ClinVar:

NM_001386298.1(CIC):c.4732G>A (p.Ala1578Thr)

Gene: CIC (capicua transcriptional repressor; plus strand). Cytogenetic location: 19q13.2.
Variant type: single nucleotide variant.
Coding change: c.4732G>A on transcript NM_001386298.1 (MANE Select); coding-DNA position 4732, G replaced by A.
Protein change: p.Ala1578Thr; replaces alanine 1578 with threonine.
Molecular consequence: missense variant.
Genome position (GRCh38, 1-based): chr19:42,290,773, G>A. VCF-style: chr19-42290773-G-A. GRCh37 (hg19) VCF-style: chr19-42794925-G-A.
Other names: c.4732G>A, p.Ala1578Thr (NM_001304815.2, NM_001379480.1, NM_001379482.1 and 1 more transcripts); c.2005G>A, p.Ala669Thr (NM_001379484.1, NM_001379485.1, NM_015125.5); short protein forms A1578T, A669T.
Identifiers: ClinVar variation 2649996 (VCV002649996.24), dbSNP rs768549918, ClinGen allele CA9472167.

ClinVar aggregate classification (germline): Uncertain significance (1 of 4 stars; one submission).

Allele frequency attached by ClinVar (database versions not stated): gnomAD 0.00001; TOPMed 0.00001.
gnomAD v4.1: 12 of 1,611,538 alleles (0.00074%); highest among the groups gnomAD compares: Middle Eastern, 0.016%; no homozygotes.

Submission:

CeGaT Center for Human Genetics Tuebingen
Classification: Uncertain significance. Last evaluated: 2022-07-01. Review status: criteria provided, single submitter. Criteria: CeGaT Center For Human Genetics Tuebingen Variant Classification Criteria Version 2. Collection method: clinical testing. Allele origin: germline. Affected: yes. Observed: 1 variant allele.
Comment: CIC: PM2